The following is an entry in ClinVar:

ClinVar aggregate classification (germline): Uncertain significance. Review status: criteria provided, multiple submitters, no conflicts (2 of 4 stars). 2 submissions from 2 submitters: Uncertain significance (2). Last evaluated 2022-09-14.

Conditions:
Brugada syndrome 4 (BRGDA4). Identifiers: Orphanet 130, MedGen C2678477, MONDO:0012743, OMIM 611876.

Allele frequency attached by ClinVar (database versions not stated): gnomAD exomes below 0.00001; gnomAD 0.00001.
gnomAD v4.1: 4 of 1,613,674 alleles (0.00025%); highest among the groups gnomAD compares: Middle Eastern, 0.033%; no homozygotes.

Submissions (2):

Labcorp Genetics (formerly Invitae), Labcorp
Classification: Uncertain significance for Brugada syndrome 4. Last evaluated: 2022-09-14. Review status: criteria provided, single submitter. Criteria: Invitae Variant Classification Sherloc (09022015). Collection method: clinical testing. Allele origin: germline.
Comment: In summary, the available evidence is currently insufficient to determine the role of this variant in disease. Therefore, it has been classified as a Variant of Uncertain Significance. Algorithms developed to predict the effect of sequence changes on RNA splicing suggest that this variant may create or strengthen a splice site. Algorithms developed to predict the effect of missense changes on protein structure and function (SIFT, PolyPhen-2, Align-GVGD) all suggest that this variant is likely to be tolerated. ClinVar contains an entry for this variant (Variation ID: 191437). This variant has not been reported in the literature in individuals affected with CACNB2-related conditions. This variant is not present in population databases (gnomAD no frequency). This sequence change replaces lysine, which is basic and polar, with arginine, which is basic and polar, at codon 577 of the CACNB2 protein (p.Lys577Arg).

Biesecker Lab/Clinical Genomics Section, National Institutes of Health
Classification: Uncertain significance. Last evaluated: 2013-06-24. Review status: criteria provided, single submitter. Criteria: Ng et al. (Circ Cardiovasc Genet. 2013). Collection method: research. Allele origin: unknown. Observed: 1 variant allele. Study: ClinSeq.
Comment: The study set was not selected for affection status in relation to any cancer. Pathogenicity categories were based on literature curation. See Pubmed ID:23861362 for details.

Medical sequencing

NM_201596.3(CACNB2):c.1892A>G (p.Lys631Arg)

Gene: CACNB2 (calcium voltage-gated channel auxiliary subunit beta 2; plus strand). Cytogenetic location: 10p12.31.
Variant type: single nucleotide variant.
Coding change: c.1892A>G on transcript NM_201596.3 (MANE Select); coding-DNA position 1892, A replaced by G.
Protein change: p.Lys631Arg; replaces lysine 631 with arginine.
Molecular consequence: missense variant.
Genome position (GRCh38, 1-based): chr10:18,539,633, A>G. VCF-style: chr10-18539633-A-G. GRCh37 (hg19) VCF-style: chr10-18828562-A-G.
Other names: c.1727A>G, p.Lys576Arg (NM_000724.4); c.1694A>G, p.Lys565Arg (NM_001167945.2); c.1613A>G, p.Lys538Arg (NM_001330060.2); c.1748A>G, p.Lys583Arg (NM_201570.3); c.1808A>G, p.Lys603Arg (NM_201571.4); c.1736A>G, p.Lys579Arg (NM_201572.4); c.1730A>G, p.Lys577Arg (NM_201590.3); c.1778A>G, p.Lys593Arg (NM_201593.3); and 1 more; short protein forms K577R, K631R, K538R, K579R, K593R, K603R, K607R, K565R.
Identifiers: ClinVar variation 191437 (VCV000191437.3), dbSNP rs200260399, ClinGen allele CA236662.
Genomic context (GRCh38, chr10:18,539,633, plus strand): 5'-ACGTGGATCGAGAGCAGGACCACAACGAGTGCAACAAGCAGCGCAGCCGTCATAAATCCA[A>G]GGATCGCTACTGTGAAAAGGATGGAGAAGTGATATCAAAAAAACGGAATGAGGCTGGGGA-3'
Protein context (NP_963890.2, residues 621-641): CNKQRSRHKS[Lys631Arg]DRYCEKDGEV